The following is an entry in ClinVar:

NM_016252.4(BIRC6):c.8877A>G (p.Lys2959=)

Gene: BIRC6 (baculoviral IAP repeat containing 6; plus strand). Cytogenetic location: 2p22.3.
Variant type: single nucleotide variant.
Coding change: c.8877A>G on transcript NM_016252.4 (MANE Select); coding-DNA position 8877, A replaced by G.
Protein change: p.Lys2959=; no amino-acid change (lysine 2959 retained).
Molecular consequence: synonymous variant.
Genome position (GRCh38, 1-based): chr2:32,499,955, A>G. VCF-style: chr2-32499955-A-G. GRCh37 (hg19) VCF-style: chr2-32725022-A-G.
Other names: c.8874A>G, p.Lys2958= (NM_001378125.1).
Identifiers: ClinVar variation 3052652 (VCV003052652.2), dbSNP rs3731580, ClinGen allele CA1604418.
Genomic context (GRCh38, chr2:32,499,955, plus strand): 5'-ATACAGTGCAAGAGTGTCTGTGACCACAAATACAACAGATAGTGTTTCAGATGAAGAAAA[A>G]GTCTCAGGAGGCAAAGATGGCAATGGAAGCAGTACCAGTGTTCAAGGATCGCCTGCATAT-3'
Protein context (NP_057336.3, residues 2949-2969): NTTDSVSDEE[Lys2959=]VSGGKDGNGS

ClinVar aggregate classification (germline): Likely benign (0 of 4 stars; one submission).

Conditions:
BIRC6-related disorder. Also called: BIRC6-related condition.

Allele frequency attached by ClinVar (database versions not stated): ESP Exome Variant Server 0.00015; gnomAD exomes 0.00020; gnomAD 0.00029; ExAC 0.00043; TOPMed 0.00045; 1000 Genomes Project 0.00060; 1000 Genomes Project 30x 0.00062.
gnomAD v4.1: 347 of 1,614,014 alleles (0.021%); highest among the groups gnomAD compares: East Asian, 0.55%; no homozygotes.

Submission:

PreventionGenetics, part of Exact Sciences
Classification: Likely benign for BIRC6-related condition. Last evaluated: 2019-08-29. Review status: no assertion criteria provided. Collection method: clinical testing. Allele origin: germline.
Comment: This variant is classified as likely benign based on ACMG/AMP sequence variant interpretation guidelines (Richards et al. 2015 PMID: 25741868, with internal and published modifications).